The following is an entry in ClinVar:

NM_001903.5(CTNNA1):c.2549C>T (p.Ala850Val)

Gene: CTNNA1 (catenin alpha 1; plus strand). Cytogenetic location: 5q31.2.
Variant type: single nucleotide variant.
Coding change: c.2549C>T on transcript NM_001903.5 (MANE Select); coding-DNA position 2549, C replaced by T.
Protein change: p.Ala850Val; replaces alanine 850 with valine.
Molecular consequence: missense variant. On other transcripts: 3 prime UTR variant (5).
Genome position (GRCh38, 1-based): chr5:138,933,917, C>T. VCF-style: chr5-138933917-C-T. GRCh37 (hg19) VCF-style: chr5-138269606-C-T.
Other names: c.*94C>T (NM_001290307.3, NM_001324002.1, NM_001324003.1 and 2 more transcripts); c.2240C>T, p.Ala747Val (NM_001290309.3); c.2180C>T, p.Ala727Val (NM_001290310.3); c.1439C>T, p.Ala480Val (NM_001290312.1, NM_001323987.1, NM_001323988.1 and 12 more transcripts); c.2549C>T, p.Ala850Val (NM_001323982.2, NM_001323983.1, NM_001323984.2); c.2522C>T, p.Ala841Val (NM_001323985.2); c.2456C>T, p.Ala819Val (NM_001323986.2); c.1304C>T, p.Ala435Val (NM_001324001.1); and 4 more; short protein forms A367V, A399V, A435V, A841V, A819V, A480V, A727V, A850V.
Identifiers: ClinVar variation 948732 (VCV000948732.10), dbSNP rs1213017578, ClinGen allele CA361135450.

ClinVar aggregate classification (germline): Conflicting classifications of pathogenicity. Review status: criteria provided, conflicting classifications (1 of 4 stars). 2 submissions from 2 submitters: Uncertain significance (1); Likely benign (1). Last evaluated 2024-06-23.

Conditions:
Hereditary cancer-predisposing syndrome. Also called: Hereditary neoplastic syndrome; Neoplastic Syndromes, Hereditary; Tumor predisposition; Hereditary Cancer Syndrome. Identifiers: Orphanet 140162, MedGen C0027672, MeSH D009386, MONDO:0015356.

Allele frequency attached by ClinVar (database versions not stated): TOPMed below 0.00001; gnomAD 0.00001.
gnomAD v4.1: 1 of 1,614,096 alleles (0.000062%); highest among the groups gnomAD compares: Non-Finnish European, 0.000085%; no homozygotes.

Submissions (2):

Labcorp Genetics (formerly Invitae), Labcorp
Classification: Uncertain significance. Last evaluated: 2024-06-23. Review status: criteria provided, single submitter. Criteria: Invitae Variant Classification Sherloc (09022015). Collection method: clinical testing. Allele origin: germline.
Comment: This sequence change replaces alanine, which is neutral and non-polar, with valine, which is neutral and non-polar, at codon 850 of the CTNNA1 protein (p.Ala850Val). This variant is not present in population databases (gnomAD no frequency). This variant has not been reported in the literature in individuals affected with CTNNA1-related conditions. ClinVar contains an entry for this variant (Variation ID: 948732). An algorithm developed to predict the effect of missense changes on protein structure and function (PolyPhen-2) suggests that this variant is likely to be tolerated. In summary, the available evidence is currently insufficient to determine the role of this variant in disease. Therefore, it has been classified as a Variant of Uncertain Significance.

Ambry Genetics
Classification: Likely benign for Hereditary cancer-predisposing syndrome. Last evaluated: 2024-05-03. Review status: criteria provided, single submitter. Criteria: Ambry Variant Classification Scheme 2023. Collection method: clinical testing. Allele origin: germline.